The following is an entry in ClinVar:

ClinVar aggregate classification (germline): Benign/Likely benign. Review status: criteria provided, multiple submitters, no conflicts (2 of 4 stars). 6 submissions from 6 submitters: Benign (1); Likely benign (5). Last evaluated 2025-04-10.

Conditions:
Tuberous sclerosis syndrome (TSC). Also called: Tuberous Sclerosis Complex; Tuberous sclerosis. Identifiers: Orphanet 805, MedGen C0041341, MONDO:0001734.
Tuberous sclerosis 1 (TSC1). Identifiers: Orphanet 805, MedGen C1854465, MONDO:0008612, OMIM 191100.
Hereditary cancer-predisposing syndrome. Also called: Hereditary neoplastic syndrome; Neoplastic Syndromes, Hereditary; Hereditary Cancer Syndrome; Tumor predisposition. Identifiers: Orphanet 140162, MedGen C0027672, MeSH D009386, MONDO:0015356.

Allele frequency attached by ClinVar (database versions not stated): TOPMed below 0.00001; gnomAD 0.00001; gnomAD exomes 0.00001.
gnomAD v4.1: 8 of 1,613,926 alleles (0.0005%); highest among the groups gnomAD compares: Non-Finnish European, 0.00068%; no homozygotes.

Submissions (6):

Myriad Genetics, Inc.
Classification: Benign for Tuberous sclerosis 1. Last evaluated: 2025-04-10. Review status: criteria provided, single submitter. Criteria: Myriad Autosomal Dominant, Autosomal Recessive and X-Linked Classification Criteria (2023). Collection method: clinical testing. Allele origin: unknown.
Comment: This variant is considered benign. This variant is a silent/synonymous amino acid change and it is not expected to impact splicing.

Labcorp Genetics (formerly Invitae), Labcorp
Classification: Likely benign for Tuberous sclerosis 1. Last evaluated: 2025-03-26. Review status: criteria provided, single submitter. Criteria: Invitae Variant Classification Sherloc (09022015). Collection method: clinical testing. Allele origin: germline.

Blueprint Genetics
Classification: Likely benign. Last evaluated: 2023-10-26. Review status: criteria provided, single submitter. Criteria: ACMG Guidelines, 2015. Collection method: clinical testing. Allele origin: germline.

All of Us Research Program, National Institutes of Health
Classification: Likely benign for Tuberous sclerosis syndrome. Last evaluated: 2023-09-17. Review status: criteria provided, single submitter. Criteria: ACMG Guidelines, 2015. Collection method: clinical testing. Allele origin: germline. Inheritance: Autosomal dominant inheritance. Observed: 1 variant allele, 1 heterozygote.
Comment: This study involves interpretation of variants in research participants for the purpose of population health screening. Participant phenotype was not available at the time of variant classification. Additional details can be found in publication PMID: 35346344, PMCID: PMC8962531

Color Diagnostics, LLC DBA Color Health
Classification: Likely benign for Tuberous sclerosis syndrome. Last evaluated: 2023-09-13. Review status: criteria provided, single submitter. Criteria: ACMG Guidelines, 2015. Collection method: clinical testing. Allele origin: germline.

Ambry Genetics
Classification: Likely benign for Hereditary cancer-predisposing syndrome. Last evaluated: 2020-08-18. Review status: criteria provided, single submitter. Criteria: Ambry Variant Classification Scheme 2023. Collection method: clinical testing. Allele origin: germline.

NM_000368.5(TSC1):c.1626G>A (p.Lys542=)

Gene: TSC1 (TSC complex subunit 1; minus strand). Cytogenetic location: 9q34.13.
Variant type: single nucleotide variant.
Coding change: c.1626G>A on transcript NM_000368.5 (MANE Select); coding-DNA position 1626, G replaced by A.
Protein change: p.Lys542=; no amino-acid change (lysine 542 retained).
Molecular consequence: synonymous variant.
Genome position (GRCh38, 1-based): chr9:132,905,952, C>T on the plus strand (G>A on the coding strand, the complement: TSC1 is on the minus strand). VCF-style: chr9-132905952-C-T. GRCh37 (hg19) VCF-style: chr9-135781339-C-T.
Other names: c.1623G>A, p.Lys541= (NM_001162426.2); c.1473G>A, p.Lys491= (NM_001162427.2); c.1263G>A, p.Lys421= (NM_001362177.2).
Identifiers: ClinVar variation 466036 (VCV000466036.18), dbSNP rs756935981, ClinGen allele CA200888812.
Genomic context (GRCh38, chr9:132,905,952, plus strand): 5'-AGCACTGCCGCAGGGCAGGTCTATGGGAGTAAAGGCTTGCTTTGGTGTGTCAGGCCCAAG[C>T]TTGTCCAGGGAGGAGTGTAAAGGCTCAGGGTTCACGCTGGCGCCCTGAGAACTGGAGGCT-3'
Protein context (NP_000359.1, residues 532-552): NPEPLHSSLD[Lys542=]LGPDTPKQAF